The following is an entry in ClinVar:

ClinVar aggregate classification (germline): Uncertain significance (1 of 4 stars; one submission).

Conditions:
Wilson disease (WND). Also called: Wilson's disease. Identifiers: Orphanet 905, MedGen C0019202, MONDO:0010200, OMIM 277900. Disease mechanism: loss of function.

Submission:

All of Us Research Program, National Institutes of Health
Classification: Uncertain significance for Wilson disease. Last evaluated: 2024-04-16. Review status: criteria provided, single submitter. Criteria: ACMG Guidelines, 2015. Collection method: clinical testing. Allele origin: germline. Inheritance: Autosomal recessive inheritance. Observed: 1 variant allele, 1 heterozygote.
Comment: This missense variant replaces isoleucine with asparagine at codon 1300 of the ATP7B protein. Computational prediction suggests that this variant may have deleterious impact on protein structure and function (internally defined REVEL score threshold >= 0.7, PMID: 27666373). To our knowledge, functional studies have not been reported for this variant. This variant has not been reported in individuals affected with ATP7B-related disorders in the literature. This variant has not been identified in the general population by the Genome Aggregation Database (gnomAD). The available evidence is insufficient to determine the role of this variant in disease conclusively. Therefore, this variant is classified as a Variant of Uncertain Significance.

This study involves interpretation of variants in research participants for the purpose of population health screening. Participant phenotype was not available at the time of variant classification. Additional details can be found in publication PMID: 35346344, PMCID: PMC8962531

NM_000053.4(ATP7B):c.3899T>A (p.Ile1300Asn)

Gene: ATP7B (ATPase copper transporting beta; minus strand). Cytogenetic location: 13q14.3.
Variant type: single nucleotide variant.
Coding change: c.3899T>A on transcript NM_000053.4 (MANE Select); coding-DNA position 3899, T replaced by A.
Protein change: p.Ile1300Asn; replaces isoleucine 1300 with asparagine.
Molecular consequence: missense variant. On other transcripts: intron variant (1).
Genome position (GRCh38, 1-based): chr13:51,937,480, A>T on the plus strand (T>A on the coding strand, the complement: ATP7B is on the minus strand). VCF-style: chr13-51937480-A-T. GRCh37 (hg19) VCF-style: chr13-52511616-A-T.
Other names: c.3278T>A, p.Ile1093Asn (NM_001005918.3); c.3566T>A, p.Ile1189Asn (NM_001243182.2); c.3665T>A, p.Ile1222Asn (NM_001330578.2, NM_001406527.1, NM_001406528.1); c.3647T>A, p.Ile1216Asn (NM_001330579.2, NM_001406531.1, NM_001406532.1); c.3899T>A, p.Ile1300Asn (NM_001406511.1, NM_001406512.1); c.3893T>A, p.Ile1298Asn (NM_001406513.1); c.3866T>A, p.Ile1289Asn (NM_001406514.1); c.3845T>A, p.Ile1282Asn (NM_001406515.1, NM_001406516.1); and 21 more; short protein forms I1019N, I1073N, I1084N, I1093N, I1106N, I1136N, I1138N, I1151N.
Identifiers: ClinVar variation 3387338 (VCV003387338.1).